The following is an entry in ClinVar:

ClinVar aggregate classification (germline): Pathogenic/Likely pathogenic. Review status: criteria provided, multiple submitters, no conflicts (2 of 4 stars). 3 submissions from 3 submitters: Pathogenic (2); Likely pathogenic (1). Last evaluated 2025-05-08.

Conditions:
Cardiovascular phenotype. Identifiers: MedGen CN230736.
Dilated cardiomyopathy 1KK (CMD1KK). Identifiers: Orphanet 154, Orphanet 75249, MedGen C3714995, MONDO:0014100, OMIM 615248.

Allele frequency attached by ClinVar (database versions not stated): gnomAD 0.00001.
gnomAD v4.1: 8 of 1,613,394 alleles (0.0005%); highest among the groups gnomAD compares: Admixed American, 0.0017%; no homozygotes.

Submissions (3):

GeneDx
Classification: Likely pathogenic. Last evaluated: 2025-05-08. Review status: criteria provided, single submitter. Criteria: GeneDx Variant Classification Process June 2021. Collection method: clinical testing. Allele origin: germline.
Comment: Nonsense variant predicted to result in protein truncation or nonsense mediated decay in a gene for which loss of function is a known mechanism of disease; Not observed at significant frequency in large population cohorts (gnomAD); Has not been previously published as pathogenic or benign to our knowledge

Labcorp Genetics (formerly Invitae), Labcorp
Classification: Pathogenic for Dilated cardiomyopathy 1KK. Last evaluated: 2024-09-05. Review status: criteria provided, single submitter. Criteria: Invitae Variant Classification Sherloc (09022015). Collection method: clinical testing. Allele origin: germline.
Comment: This sequence change creates a premature translational stop signal (p.Arg996*) in the MYPN gene. It is expected to result in an absent or disrupted protein product. Loss-of-function variants in MYPN are known to be pathogenic (PMID: 28017374). This variant is present in population databases (no rsID available, gnomAD 0.0009%). This variant has not been reported in the literature in individuals affected with MYPN-related conditions. ClinVar contains an entry for this variant (Variation ID: 1798443). Algorithms developed to predict the effect of sequence changes on RNA splicing suggest that this variant may disrupt the consensus splice site. For these reasons, this variant has been classified as Pathogenic.

Ambry Genetics
Classification: Pathogenic for Cardiovascular phenotype. Last evaluated: 2022-04-19. Review status: criteria provided, single submitter. Criteria: Ambry Variant Classification Scheme 2023. Collection method: clinical testing. Allele origin: germline.
Comment: The p.R996* pathogenic mutation (also known as c.2986C>T), located in coding exon 13 of the MYPN gene, results from a C to T substitution at nucleotide position 2986. This changes the amino acid from an arginine to a stop codon within coding exon 13. This variant is considered to be rare based on population cohorts in the Genome Aggregation Database (gnomAD). This alteration is expected to result in loss of function by premature protein truncation or nonsense-mediated mRNA decay. As such, this alteration is interpreted as a disease-causing mutation.

Literature cited by the submitters: PubMed 28017374 (cited by Labcorp Genetics (formerly Invitae), Labcorp).

NM_032578.4(MYPN):c.2986C>T (p.Arg996Ter)

Gene: MYPN (myopalladin; plus strand). Cytogenetic location: 10q21.3.
Variant type: single nucleotide variant.
Coding change: c.2986C>T on transcript NM_032578.4 (MANE Select); coding-DNA position 2986, C replaced by T.
Protein change: p.Arg996Ter; replaces arginine 996 with a stop codon.
Molecular consequence: nonsense. On other transcripts: non-coding transcript variant (2).
Genome position (GRCh38, 1-based): chr10:68,194,423, C>T. VCF-style: chr10-68194423-C-T. GRCh37 (hg19) VCF-style: chr10-69954180-C-T.
Other names: c.2986C>T, p.Arg996Ter (NM_001256267.2); c.2104C>T, p.Arg702Ter (NM_001256268.2); short protein forms R996*, R702*.
Identifiers: ClinVar variation 1798443 (VCV001798443.9), dbSNP rs753094063, ClinGen allele CA376855856.